The following is an entry in ClinVar:

ClinVar aggregate classification (germline): Uncertain significance (1 of 4 stars; one submission).

gnomAD v4.1: 3 of 1,302,744 alleles (0.00023%); highest among the groups gnomAD compares: Non-Finnish European, 0.00031%; no homozygotes.

Submission:

Labcorp Genetics (formerly Invitae), Labcorp
Classification: Uncertain significance. Last evaluated: 2026-01-13. Review status: criteria provided, single submitter. Criteria: Invitae Variant Classification Sherloc (09022015). Collection method: clinical testing. Allele origin: germline.
Comment: This variant occurs in a non-coding region of the ANKRD26 gene. It does not change the encoded amino acid sequence of the ANKRD26 protein. This variant is not present in population databases (gnomAD no frequency). This variant has not been reported in the literature in individuals affected with ANKRD26-related conditions. ClinVar contains an entry for this variant (Variation ID: 2805868). In summary, the available evidence is currently insufficient to determine the role of this variant in disease. Therefore, it has been classified as a Variant of Uncertain Significance.

NM_014915.3(ANKRD26):c.-138C>T

Gene: ANKRD26 (ankyrin repeat domain 26; minus strand). Cytogenetic location: 10p12.1.
Variant type: single nucleotide variant.
Coding change: c.-138C>T on transcript NM_014915.3 (MANE Select); 138 bases upstream of the start codon, C replaced by T.
Molecular consequence: 5 prime UTR variant.
Genome position (GRCh38, 1-based): chr10:27,100,464, G>A on the plus strand (C>T on the coding strand, the complement: ANKRD26 is on the minus strand). VCF-style: chr10-27100464-G-A. GRCh37 (hg19) VCF-style: chr10-27389393-G-A.
Other names: c.-138C>T (NM_001256053.2).
Identifiers: ClinVar variation 2805868 (VCV002805868.3), dbSNP rs886046950, ClinGen allele CA2608612142.